The following is an entry in ClinVar:

ClinVar aggregate classification (germline): Uncertain significance. Review status: reviewed by expert panel (3 of 4 stars). 7 submissions from 7 submitters: Uncertain significance (1). 6 of the submissions do not count toward it. Last evaluated 2025-11-11.

Conditions:
Hypertrophic cardiomyopathy 1 (CMH1). Also called: Familial hypertrophic cardiomyopathy 1; MYH7-Related Familial Hypertrophic Cardiomyopathy. Identifiers: MedGen C3495498, MONDO:0008647, OMIM 192600.
Myopathy, myosin storage, autosomal recessive (CMYO7B). Also called: CONGENITAL MYOPATHY 7B, MYOSIN STORAGE, AUTOSOMAL RECESSIVE. Identifiers: Orphanet 636970, MedGen C1850709, MONDO:0009708, OMIM 255160.
Myosin storage myopathy (CMYO7A). Also called: MYOPATHY WITH LYSIS OF TYPE I MYOFIBRILS; MYH7-related late-onset scapuloperoneal muscular dystrophy; Congenital myopathy 7A, myosin storage, autosomal dominant; MYOPATHY, HYALINE BODY, AUTOSOMAL DOMINANT; Scapuloperoneal myopathy, MYH7-related; SCAPULOPERONEAL MUSCULAR DYSTROPHY. Identifiers: Orphanet 437572, Orphanet 636965, MedGen C1842160, MONDO:0008409, OMIM 608358.
Dilated cardiomyopathy 1S (CMD1S). Identifiers: Orphanet 154, Orphanet 54260, MedGen C1834481, MONDO:0013262, OMIM 613426.
Congenital myopathy with fiber type disproportion. Also called: Congenital fiber-type disproportion; Congenital fiber-type disproportion myopathy. Identifiers: Orphanet 2020, MedGen C0546264, MONDO:0009711. Inheritance: all.
MYH7-related skeletal myopathy. Also called: Myopathy, distal, 1; Laing early-onset distal myopathy; MYOPATHY, DISTAL, EARLY-ONSET, AUTOSOMAL DOMINANT; MYOPATHY, LATE DISTAL HEREDITARY; Laing distal myopathy. Identifiers: Orphanet 59135, MedGen C4552004, MONDO:0008050, OMIM 160500.
Cardiomyopathy (CMYO). Also called: Cardiomyopathies. Identifiers: Orphanet 167848, MedGen C0878544, MONDO:0004994, HP:0001638. Inheritance: Various modes of inheritance.
Hypertrophic cardiomyopathy. Also called: HYPERTROPHIC MYOCARDIOPATHY. Identifiers: Orphanet 217569, MedGen C0007194, MeSH D002312, MONDO:0005045, HP:0001639.

Allele frequency attached by ClinVar (database versions not stated): ExAC 0.00001; gnomAD exomes 0.00001; TOPMed 0.00003.
gnomAD v4.1: 5 of 1,614,218 alleles (0.00031%); highest among the groups gnomAD compares: Admixed American, 0.0083%; no homozygotes.

Submissions (7):

ClinGen Cardiomyopathy Variant Curation Expert Panel
Classification: Uncertain significance for Hypertrophic cardiomyopathy. Last evaluated: 2025-11-11. Review status: reviewed by expert panel. Criteria: ClinGen CMP ACMG Specifications v1. Collection method: curation. Allele origin: germline. Inheritance: Autosomal dominant inheritance.
Comment: The NM_000257.4(MYH7):c.3883G>A (p.Glu1295Lys) variant has been identified in 1 individual with LVNC, in 1 individual with congestive heart failure and 1 individual with sudden cardiac arrest (GeneDx pers. comm., Invitae pers. comm.); however, due to the nature of the associated phenotypes, this data is insufficient to apply the PS4 criterion. This variant was identified in 0.002% (FAF 95% CI; 3/34592) of Latino/Admixed American chromosomes by gnomAD v2.1.1 (PM2). Computational prediction tools and conservation analysis suggest that this variant may impact the protein (PP3). In summary, due to insufficient evidence, this variant is classified as uncertain significance for cardiomyopathy in an autosomal dominant manner. MYH7-specific ACMG/AMP criteria applied (Kelly 2018 PMID:29300372): PM2, PP3.

Labcorp Genetics (formerly Invitae), Labcorp
Classification: Uncertain significance for Hypertrophic cardiomyopathy. Last evaluated: 2026-01-09. Review status: criteria provided, single submitter. Criteria: Invitae Variant Classification Sherloc (09022015). Collection method: clinical testing. Allele origin: germline. Not counted in ClinVar's aggregate classification.
Comment: This sequence change replaces glutamic acid, which is acidic and polar, with lysine, which is basic and polar, at codon 1295 of the MYH7 protein (p.Glu1295Lys). This variant is present in population databases (rs730880785, gnomAD 0.009%). This missense change has been observed in individual(s) with dilated cardiomyopathy (internal data.). ClinVar contains an entry for this variant (Variation ID: 181236). Invitae Evidence Modeling of protein sequence and biophysical properties (such as structural, functional, and spatial information, amino acid conservation, physicochemical variation, residue mobility, and thermodynamic stability) indicates that this missense variant is expected to disrupt MYH7 protein function with a positive predictive value of 95%. In summary, the available evidence is currently insufficient to determine the role of this variant in disease. Therefore, it has been classified as a Variant of Uncertain Significance.

GeneDx
Classification: Uncertain significance. Last evaluated: 2025-05-28. Review status: criteria provided, single submitter. Criteria: GeneDx Variant Classification Process June 2021. Collection method: clinical testing. Allele origin: germline. Affected: yes. Not counted in ClinVar's aggregate classification.
Comment: Not observed at significant frequency in large population cohorts (gnomAD); In silico analysis supports that this missense variant has a deleterious effect on protein structure/function; Has not been previously published as pathogenic or benign to our knowledge

All of Us Research Program, National Institutes of Health
Classification: Uncertain significance for Cardiomyopathy. Last evaluated: 2024-08-13. Review status: criteria provided, single submitter. Criteria: ACMG Guidelines, 2015. Collection method: clinical testing. Allele origin: germline. Inheritance: Autosomal dominant inheritance. Observed: 7 variant alleles, 7 heterozygotes. Not counted in ClinVar's aggregate classification.
Comment: This missense variant replaces glutamic acid with lysine at codon 1295 of the MYH7 protein. Computational prediction suggests that this variant may have deleterious impact on protein structure and function (internally defined REVEL score threshold >= 0.7, PMID: 27666373). To our knowledge, functional studies have not been reported for this variant. This variant has not been reported in individuals affected with MYH7-related disorders in the literature. This variant has been identified in 3/251486 chromosomes in the general population by the Genome Aggregation Database (gnomAD). The available evidence is insufficient to determine the role of this variant in disease conclusively. Therefore, this variant is classified as a Variant of Uncertain Significance.

This study involves interpretation of variants in research participants for the purpose of population health screening. Participant phenotype was not available at the time of variant classification. Additional details can be found in publication PMID: 35346344, PMCID: PMC8962531

Color Diagnostics, LLC DBA Color Health
Classification: Uncertain significance for Cardiomyopathy. Last evaluated: 2024-07-25. Review status: criteria provided, single submitter. Criteria: ACMG Guidelines, 2015. Collection method: clinical testing. Allele origin: germline. Not counted in ClinVar's aggregate classification.
Comment: This missense variant replaces glutamic acid with lysine at codon 1295 of the MYH7 protein. Computational prediction tools indicate that this variant has a deleterious impact on protein structure and function. To our knowledge, functional studies have not been reported for this variant. This variant has not been reported in individuals affected with MYH7-related disorders in the literature. This variant has been identified in 3/251486 chromosomes in the general population by the Genome Aggregation Database (gnomAD). The available evidence is insufficient to determine the role of this variant in disease conclusively. Therefore, this variant is classified as a Variant of Uncertain Significance.

Fulgent Genetics
Classification: Uncertain significance for MYH7-related skeletal myopathy; Myosin storage myopathy; Hypertrophic cardiomyopathy 1; Myopathy, myosin storage, autosomal recessive; Congenital myopathy 4A, autosomal dominant; Dilated cardiomyopathy 1S. Last evaluated: 2022-04-03. Review status: criteria provided, single submitter. Criteria: ACMG Guidelines, 2015. Collection method: clinical testing. Allele origin: unknown. Not counted in ClinVar's aggregate classification.

Women's Health and Genetics/Laboratory Corporation of America, LabCorp
Classification: Uncertain significance. Last evaluated: 2018-10-24. Review status: criteria provided, single submitter. Criteria: LabCorp Variant Classification Summary - May 2015. Collection method: clinical testing. Allele origin: germline. Not counted in ClinVar's aggregate classification.
Comment: Variant summary: MYH7 c.3883G>A (p.Glu1295Lys) results in a conservative amino acid change located in the Myosin tail of the encoded protein sequence. Four of five in-silico tools predict a damaging effect of the variant on protein function. The variant allele was found at a frequency of 1.2e-05 in 246272 control chromosomes (gnomAD). The available data on variant occurrences in the general population are insufficient to allow any conclusion about variant significance. To our knowledge, no occurrence of c.3883G>A in individuals affected with Cardiomyopathy and no experimental evidence demonstrating its impact on protein function have been reported. Although nearby missense changes, p.L1297Q, p.L1297V, p.Q1300L, have been reported in affected individuals suggesting that this region could be important for protein function. No clinical diagnostic laboratories have submitted clinical-significance assessments for this variant to ClinVar after 2014. Based on the evidence outlined above, the variant was classified as uncertain significance.

NM_000257.4(MYH7):c.3883G>A (p.Glu1295Lys)

Gene: MYH7 (myosin heavy chain 7; minus strand). Cytogenetic location: 14q11.2.
Variant type: single nucleotide variant.
Coding change: c.3883G>A on transcript NM_000257.4 (MANE Select); coding-DNA position 3883, G replaced by A.
Protein change: p.Glu1295Lys; replaces glutamic acid 1295 with lysine.
Molecular consequence: missense variant.
Genome position (GRCh38, 1-based): chr14:23,419,266, C>T on the plus strand (G>A on the coding strand, the complement: MYH7 is on the minus strand). VCF-style: chr14-23419266-C-T. GRCh37 (hg19) VCF-style: chr14-23888475-C-T.
Other names: p.E1295K:GAG>AAG; NM_000257.4(MYH7):c.3883G>A; p.Glu1295Lys; c.3883G>A (LRG_384t1); short protein forms E1295K.
Identifiers: ClinVar variation 181236 (VCV000181236.19), dbSNP rs730880785, ClinGen allele CA014200.